The following is an entry in ClinVar:

ClinVar aggregate classification (germline): Uncertain significance (1 of 4 stars; one submission).

Submission:

Labcorp Genetics (formerly Invitae), Labcorp
Classification: Uncertain significance. Last evaluated: 2022-10-25. Review status: criteria provided, single submitter. Criteria: Invitae Variant Classification Sherloc (09022015). Collection method: clinical testing. Allele origin: germline.
Comment: In summary, the available evidence is currently insufficient to determine the role of this variant in disease. Therefore, it has been classified as a Variant of Uncertain Significance. Advanced modeling of protein sequence and biophysical properties (such as structural, functional, and spatial information, amino acid conservation, physicochemical variation, residue mobility, and thermodynamic stability) has been performed at Invitae for this missense variant, however the output from this modeling did not meet the statistical confidence thresholds required to predict the impact of this variant on LRP5 protein function. ClinVar contains an entry for this variant (Variation ID: 1476723). This variant has not been reported in the literature in individuals affected with LRP5-related conditions. This variant is not present in population databases (gnomAD no frequency). This sequence change replaces leucine, which is neutral and non-polar, with phenylalanine, which is neutral and non-polar, at codon 845 of the LRP5 protein (p.Leu845Phe).

NM_002335.4(LRP5):c.2533C>T (p.Leu845Phe)

Gene: LRP5 (LDL receptor related protein 5; plus strand). Cytogenetic location: 11q13.2.
Variant type: single nucleotide variant.
Coding change: c.2533C>T on transcript NM_002335.4 (MANE Select); coding-DNA position 2533, C replaced by T.
Protein change: p.Leu845Phe; replaces leucine 845 with phenylalanine.
Molecular consequence: missense variant.
Genome position (GRCh38, 1-based): chr11:68,413,718, C>T. VCF-style: chr11-68413718-C-T. GRCh37 (hg19) VCF-style: chr11-68181186-C-T.
Other names: c.790C>T, p.Leu264Phe (NM_001291902.2); short protein forms L264F, L845F.
Identifiers: ClinVar variation 1476723 (VCV001476723.6), dbSNP rs2153168034, ClinGen allele CA381618171.